The following is an entry in ClinVar:

ClinVar aggregate classification (germline): Uncertain significance (1 of 4 stars; one submission).

Conditions:
Tuberous sclerosis 2 (TSC2). Identifiers: Orphanet 805, MedGen C1860707, MONDO:0013199, OMIM 613254.

Submission:

Labcorp Genetics (formerly Invitae), Labcorp
Classification: Uncertain significance for Tuberous sclerosis 2. Last evaluated: 2022-09-06. Review status: criteria provided, single submitter. Criteria: Invitae Variant Classification Sherloc (09022015). Collection method: clinical testing. Allele origin: germline.
Comment: Advanced modeling of protein sequence and biophysical properties (such as structural, functional, and spatial information, amino acid conservation, physicochemical variation, residue mobility, and thermodynamic stability) performed at Invitae indicates that this missense variant is not expected to disrupt TSC2 protein function. In summary, the available evidence is currently insufficient to determine the role of this variant in disease. Therefore, it has been classified as a Variant of Uncertain Significance. This variant has not been reported in the literature in individuals affected with TSC2-related conditions. This variant is not present in population databases (gnomAD no frequency). This sequence change replaces threonine, which is neutral and polar, with proline, which is neutral and non-polar, at codon 70 of the TSC2 protein (p.Thr70Pro).

NM_000548.5(TSC2):c.208A>C (p.Thr70Pro)

Gene: TSC2 (TSC complex subunit 2; plus strand). Cytogenetic location: 16p13.3.
Variant type: single nucleotide variant.
Coding change: c.208A>C on transcript NM_000548.5 (MANE Select); coding-DNA position 208, A replaced by C.
Protein change: p.Thr70Pro; replaces threonine 70 with proline.
Molecular consequence: missense variant. On other transcripts: 5 prime UTR variant (1).
Genome position (GRCh38, 1-based): chr16:2,050,469, A>C. VCF-style: chr16-2050469-A-C. GRCh37 (hg19) VCF-style: chr16-2100470-A-C.
Other names: c.208A>C, p.Thr70Pro (NM_001077183.3, NM_001114382.3, NM_001318827.2 and 13 more transcripts); c.61A>C, p.Thr21Pro (NM_001318829.2, NM_001406675.1, NM_001406676.1 and 2 more transcripts); c.-19A>C (NM_001318831.2, NM_001406682.1, NM_001406684.1 and 3 more transcripts); c.241A>C, p.Thr81Pro (NM_001318832.2); c.-609A>C (NM_001406680.1, NM_001406683.1, NM_001406687.1); c.-238A>C (NM_001406681.1); c.-1224A>C (NM_001406689.1, NM_001406690.1, NM_001406691.1 and 2 more transcripts); c.-1530A>C (NM_001406693.1); and 3 more; short protein forms T21P, T70P, T81P.
Identifiers: ClinVar variation 1920007 (VCV001920007.5), dbSNP rs2548373235, ClinGen allele CA394303555.